The following is an entry in ClinVar:

NM_000381.4(MID1):c.1141+2T>C

Gene: MID1 (midline 1; minus strand). Cytogenetic location: Xp22.2.
Variant type: single nucleotide variant.
Coding change: c.1141+2T>C on transcript NM_000381.4 (MANE Select); the canonical splice donor site of the intron after coding-DNA position 1141, T replaced by C.
Molecular consequence: splice donor variant.
Genome position (GRCh38, 1-based): chrX:10,474,621, A>G on the plus strand (T>C on the coding strand, the complement: MID1 is on the minus strand). VCF-style: chrX-10474621-A-G. GRCh37 (hg19) VCF-style: chrX-10442661-A-G.
Other names: c.1141+2T>C (NM_033290.4, NM_001098624.2, NM_001347733.2 and 2 more transcripts); c.1027+2T>C (NM_033289.2, NM_001193280.1); c.1294+2T>C (NM_001193278.1).
Identifiers: ClinVar variation 4710646 (VCV004710646.1).

ClinVar aggregate classification (germline): Pathogenic (1 of 4 stars; one submission).

Submission:

Labcorp Genetics (formerly Invitae), Labcorp
Classification: Pathogenic. Last evaluated: 2025-08-29. Review status: criteria provided, single submitter. Criteria: Invitae Variant Classification Sherloc (09022015). Collection method: clinical testing. Allele origin: germline.
Comment: This sequence change affects a donor splice site in intron 6 of the MID1 gene. It is expected to disrupt RNA splicing. Variants that disrupt the donor or acceptor splice site typically lead to a loss of protein function (PMID: 16199547), and loss-of-function variants in MID1 are known to be pathogenic (PMID: 15558842, 17221865, 21326312). This variant is not present in population databases (gnomAD no frequency). Disruption of this splice site has been observed in individuals with Opitz G/BBB Syndrome (PMID: 17221865; internal data). Algorithms developed to predict the effect of sequence changes on RNA splicing suggest that this variant may disrupt the consensus splice site. For these reasons, this variant has been classified as Pathogenic.

Literature cited by the submitters: PubMed 16199547; PubMed 15558842; PubMed 17221865; PubMed 21326312.